The following is an entry in ClinVar:

ClinVar aggregate classification (germline): Uncertain significance (1 of 4 stars; one submission).

Conditions:
Heterotopia, periventricular, X-linked dominant (PVNH1). Also called: PERIVENTRICULAR NODULAR HETEROTOPIA 1; X-linked periventricular heterotopia; PERIVENTRICULAR NODULAR HETEROTOPIA 4; HETEROTOPIA, PERIVENTRICULAR, 1. Identifiers: Orphanet 2149, Orphanet 82004, MedGen C1848213, MONDO:0010233, OMIM 300049.
Melnick-Needles syndrome (MNS). Also called: Melnick-Needles Syndrome (FLNA-MNS); MELNICK-NEEDLES OSTEODYSPLASTY; OSTEODYSPLASTY OF MELNICK AND NEEDLES. Identifiers: Orphanet 2484, MedGen C0025237, MONDO:0010650, OMIM 309350.
Frontometaphyseal dysplasia (FMD1). Identifiers: Orphanet 1826, MedGen C0265293, MONDO:0015942.
Oto-palato-digital syndrome, type II (OPD2). Also called: Otopalatodigital Syndrome Type 2 (FLNA-OPD2); FACIOPALATOOSSEOUS SYNDROME; OPD II SYNDROME; Otopalatodigital Syndrome, Type II. Identifiers: Orphanet 669, Orphanet 90652, MedGen C1844696, MONDO:0010571, OMIM 304120.

Submission:

Labcorp Genetics (formerly Invitae), Labcorp
Classification: Uncertain significance for Oto-palato-digital syndrome, type II; Heterotopia, periventricular, X-linked dominant; Frontometaphyseal dysplasia; Melnick-Needles syndrome. Last evaluated: 2023-12-18. Review status: criteria provided, single submitter. Criteria: Invitae Variant Classification Sherloc (09022015). Collection method: clinical testing. Allele origin: germline.
Comment: This sequence change replaces glutamine, which is neutral and polar, with arginine, which is basic and polar, at codon 182 of the FLNA protein (p.Gln182Arg). This variant is not present in population databases (gnomAD no frequency). This variant has not been reported in the literature in individuals affected with FLNA-related conditions. Advanced modeling of protein sequence and biophysical properties (such as structural, functional, and spatial information, amino acid conservation, physicochemical variation, residue mobility, and thermodynamic stability) performed at Invitae indicates that this missense variant is not expected to disrupt FLNA protein function with a negative predictive value of 95%. In summary, the available evidence is currently insufficient to determine the role of this variant in disease. Therefore, it has been classified as a Variant of Uncertain Significance.

NM_001110556.2(FLNA):c.545A>G (p.Gln182Arg)

Gene: FLNA (filamin A; minus strand). Cytogenetic location: Xq28.
Variant type: single nucleotide variant.
Coding change: c.545A>G on transcript NM_001110556.2 (MANE Select); coding-DNA position 545, A replaced by G.
Protein change: p.Gln182Arg; replaces glutamine 182 with arginine.
Molecular consequence: missense variant.
Genome position (GRCh38, 1-based): chrX:154,367,919, T>C on the plus strand (A>G on the coding strand, the complement: FLNA is on the minus strand). VCF-style: chrX-154367919-T-C. GRCh37 (hg19) VCF-style: chrX-153596287-T-C.
Other names: c.545A>G, p.Gln182Arg (NM_001456.4); short protein forms Q182R.
Identifiers: ClinVar variation 2951757 (VCV002951757.3), dbSNP rs2522765207, ClinGen allele CA415249434.